The following is an entry in ClinVar:

NM_005566.4(LDHA):c.777G>A (p.Leu259=)

Gene: LDHA (lactate dehydrogenase A; plus strand). Cytogenetic location: 11p15.1.
Variant type: single nucleotide variant.
Coding change: c.777G>A on transcript NM_005566.4 (MANE Select); coding-DNA position 777, G replaced by A.
Protein change: p.Leu259=; no amino-acid change (leucine 259 retained).
Molecular consequence: synonymous variant. On other transcripts: non-coding transcript variant (1), intron variant (2).
Genome position (GRCh38, 1-based): chr11:18,405,515, G>A. VCF-style: chr11-18405515-G-A. GRCh37 (hg19) VCF-style: chr11-18427062-G-A.
Other names: c.603G>A, p.Leu201= (NM_001135239.2); c.864G>A, p.Leu288= (NM_001165414.2); c.711-1602G>A (NM_001165416.2); c.688-1724G>A (NM_001165415.2).
Identifiers: ClinVar variation 303916 (VCV000303916.14), dbSNP rs137996815, ClinGen allele CA5911386.

ClinVar aggregate classification (germline): Benign/Likely benign. Review status: criteria provided, multiple submitters, no conflicts (2 of 4 stars). 5 submissions from 5 submitters: Benign (1); Likely benign (4). Last evaluated 2026-01-05.

Conditions:
Glycogen storage disease due to lactate dehydrogenase M-subunit deficiency (GSD11). Also called: Glycogen storage disease XI; GSD XI; LACTATE DEHYDROGENASE A DEFICIENCY. Identifiers: Orphanet 284426, MedGen C2931743, MONDO:0013047, OMIM 612933.

Allele frequency attached by ClinVar (database versions not stated): ESP Exome Variant Server 0.00015; gnomAD 0.00021 and 0.00027; 1000 Genomes Project 30x 0.00031; TOPMed 0.00034; 1000 Genomes Project 0.00040; gnomAD exomes 0.00046 and 0.00084; ExAC 0.00096.
gnomAD v4.1: 728 of 1,613,520 alleles (0.045%); highest among the groups gnomAD compares: Middle Eastern, 0.7%; 9 homozygotes.

Submissions (5):

Labcorp Genetics (formerly Invitae), Labcorp
Classification: Benign for Glycogen storage disease due to lactate dehydrogenase M-subunit deficiency. Last evaluated: 2026-01-05. Review status: criteria provided, single submitter. Criteria: Invitae Variant Classification Sherloc (09022015). Collection method: clinical testing. Allele origin: germline.

Blueprint Genetics
Classification: Likely benign. Last evaluated: 2024-10-24. Review status: criteria provided, single submitter. Criteria: ACMG Guidelines, 2015. Collection method: clinical testing. Allele origin: germline.

Fulgent Genetics
Classification: Likely benign for Glycogen storage disease due to lactate dehydrogenase M-subunit deficiency. Last evaluated: 2022-03-18. Review status: criteria provided, single submitter. Criteria: ACMG Guidelines, 2015. Collection method: clinical testing. Allele origin: unknown.

GeneDx
Classification: Likely benign. Last evaluated: 2018-02-22. Review status: criteria provided, single submitter. Criteria: GeneDx Variant Classification (06012015). Collection method: clinical testing. Allele origin: germline. Affected: yes.
Comment: This variant is considered likely benign or benign based on one or more of the following criteria: it is a conservative change, it occurs at a poorly conserved position in the protein, it is predicted to be benign by multiple in silico algorithms, and/or has population frequency not consistent with disease.

Illumina Laboratory Services, Illumina
Classification: Likely benign for Glycogen storage disease due to lactate dehydrogenase M-subunit deficiency. Last evaluated: 2018-01-13. Review status: criteria provided, single submitter. Criteria: ICSL Variant Classification Criteria 13 December 2019. Collection method: clinical testing. Allele origin: germline.
Comment: This variant was observed in the ICSL laboratory as part of a predisposition screen in an ostensibly healthy population. It had not been previously curated by ICSL or reported in the Human Gene Mutation Database (HGMD: prior to June 1st, 2018), and was therefore a candidate for classification through an automated scoring system. Utilizing variant allele frequency, disease prevalence and penetrance estimates, and inheritance mode, an automated score was calculated to assess if this variant is too frequent to cause the disease. Based on the score and internal cut-off values, a variant classified as likely benign is not then subjected to further curation. The score for this variant resulted in a classification of likely benign for this disease.